The following is an entry in ClinVar:

ClinVar aggregate classification (germline): Likely benign (1 of 4 stars; one submission).

Submission:

CeGaT Center for Human Genetics Tuebingen
Classification: Likely benign. Last evaluated: 2025-01-01. Review status: criteria provided, single submitter. Criteria: CeGaT Center For Human Genetics Tuebingen Variant Classification Criteria Version 2. Collection method: clinical testing. Allele origin: germline. Affected: yes. Observed: 1 variant allele.
Comment: POTEI: BS2

NM_001277406.2(POTEI):c.196T>C (p.Cys66Arg)

Gene: POTEI (POTE ankyrin domain family member I; minus strand). Cytogenetic location: 2q21.1.
Variant type: single nucleotide variant.
Coding change: c.196T>C on transcript NM_001277406.2 (MANE Select); coding-DNA position 196, T replaced by C.
Protein change: p.Cys66Arg; replaces cysteine 66 with arginine.
Molecular consequence: missense variant.
Genome position (GRCh38, 1-based): chr2:130,509,040, A>G on the plus strand (T>C on the coding strand, the complement: POTEI is on the minus strand). VCF-style: chr2-130509040-A-G. GRCh37 (hg19) VCF-style: chr2-131266613-A-G.
Other names: c.196T>C, p.Cys66Arg (NM_001371926.1); short protein forms C66R.
Identifiers: ClinVar variation 3770524 (VCV003770524.13).